The following is an entry in ClinVar:

NM_138694.4(PKHD1):c.2297G>A (p.Gly766Glu)

Gene: PKHD1 (PKHD1 ciliary IPT domain containing fibrocystin/polyductin; minus strand). Cytogenetic location: 6p12.2.
Variant type: single nucleotide variant.
Coding change: c.2297G>A on transcript NM_138694.4 (MANE Select); coding-DNA position 2297, G replaced by A.
Protein change: p.Gly766Glu; replaces glycine 766 with glutamic acid.
Molecular consequence: missense variant.
Genome position (GRCh38, 1-based): chr6:52,048,602, C>T on the plus strand (G>A on the coding strand, the complement: PKHD1 is on the minus strand). VCF-style: chr6-52048602-C-T. GRCh37 (hg19) VCF-style: chr6-51913400-C-T.
Other names: c.2297G>A, p.Gly766Glu (NM_170724.3); short protein forms G766E.
Identifiers: ClinVar variation 2474022 (VCV002474022.3), dbSNP rs757772524, ClinGen allele CA3853255.

ClinVar aggregate classification (germline): Uncertain significance. Review status: criteria provided, multiple submitters, no conflicts (2 of 4 stars). 2 submissions from 2 submitters: Uncertain significance (2). Last evaluated 2024-11-27.

Conditions:
Inborn genetic diseases. Identifiers: MedGen C0950123, MeSH D030342.

Allele frequency attached by ClinVar (database versions not stated): ExAC 0.00001.
gnomAD v4.1: 7 of 1,614,036 alleles (0.00043%); highest among the groups gnomAD compares: Non-Finnish European, 0.00059%; no homozygotes.

Submissions (2):

GeneDx
Classification: Uncertain significance. Last evaluated: 2024-11-27. Review status: criteria provided, single submitter. Criteria: GeneDx Variant Classification Process June 2021. Collection method: clinical testing. Allele origin: germline. Affected: yes.
Comment: Not observed at significant frequency in large population cohorts (gnomAD); In silico analysis indicates that this missense variant does not alter protein structure/function; Has not been previously published as pathogenic or benign to our knowledge

Ambry Genetics
Classification: Uncertain significance for Inborn genetic diseases. Last evaluated: 2023-01-06. Review status: criteria provided, single submitter. Criteria: Ambry Variant Classification Scheme 2023. Collection method: clinical testing. Allele origin: germline.